The following is an entry in ClinVar:

ClinVar aggregate classification (germline): Uncertain significance (1 of 4 stars; one submission).

Allele frequency attached by ClinVar (database versions not stated): TOPMed below 0.00001; ExAC 0.00001; gnomAD 0.00001; gnomAD exomes 0.00001.
gnomAD v4.1: 4 of 1,613,884 alleles (0.00025%); highest among the groups gnomAD compares: Non-Finnish European, 0.00034%; no homozygotes.

Submission:

Ambry Genetics
Classification: Uncertain significance. Last evaluated: 2024-09-08. Review status: criteria provided, single submitter. Criteria: Ambry Variant Classification Scheme 2023. Collection method: clinical testing. Allele origin: germline.
Comment: The p.G773E variant (also known as c.2318G>A), located in coding exon 13 of the PKP4 gene, results from a G to A substitution at nucleotide position 2318. The glycine at codon 773 is replaced by glutamic acid, an amino acid with similar properties. This amino acid position is conserved. In addition, the in silico prediction for this alteration is inconclusive. Since supporting evidence is limited at this time, the clinical significance of this alteration remains unclear.

NM_003628.6(PKP4):c.2318G>A (p.Gly773Glu)

Genes: PKP4 (plakophilin 4; plus strand), PKP4-AS1 (PKP4 antisense RNA 1; minus strand). Cytogenetic location: 2q24.1.
Variant type: single nucleotide variant.
Coding change: c.2318G>A on transcript NM_003628.6 (MANE Select); coding-DNA position 2318, G replaced by A.
Protein change: p.Gly773Glu; replaces glycine 773 with glutamic acid.
Molecular consequence: missense variant.
Genome position (GRCh38, 1-based): chr2:158,663,003, G>A. VCF-style: chr2-158663003-G-A. GRCh37 (hg19) VCF-style: chr2-159519515-G-A.
Other names: c.2318G>A, p.Gly773Glu (NM_001005476.4, NM_001304971.2, NM_001377218.1 and 1 more transcripts); c.2315G>A, p.Gly772Glu (NM_001304969.3, NM_001377219.1, NM_001377220.1 and 2 more transcripts); c.1289G>A, p.Gly430Glu (NM_001304970.3); c.2312G>A, p.Gly771Glu (NM_001377222.1, NM_001377223.1); c.2309G>A, p.Gly770Glu (NM_001377224.1); short protein forms G772E, G773E, G430E, G771E, G770E.
Identifiers: ClinVar variation 1789516 (VCV001789516.3), dbSNP rs576256423, ClinGen allele CA1920970.